The following is an entry in ClinVar:

NM_001005373.4(LRSAM1):c.497C>G (p.Pro166Arg)

Gene: LRSAM1 (leucine rich repeat and sterile alpha motif containing 1; plus strand). Cytogenetic location: 9q33.3.
Variant type: single nucleotide variant.
Coding change: c.497C>G on transcript NM_001005373.4 (MANE Select); coding-DNA position 497, C replaced by G.
Protein change: p.Pro166Arg; replaces proline 166 with arginine.
Molecular consequence: missense variant. On other transcripts: 5 prime UTR variant (1), non-coding transcript variant (2).
Genome position (GRCh38, 1-based): chr9:127,462,342, C>G. VCF-style: chr9-127462342-C-G. GRCh37 (hg19) VCF-style: chr9-130224621-C-G.
Other names: c.497C>G, p.Pro166Arg (NM_001005374.4, NM_001190723.3, NM_001384142.1 and 2 more transcripts); c.-288C>G (NM_001384144.1); short protein forms P166R.
Identifiers: ClinVar variation 1396716 (VCV001396716.6), dbSNP rs142085060, ClinGen allele CA374928123.

ClinVar aggregate classification (germline): Uncertain significance (1 of 4 stars; one submission).

Conditions:
Charcot-Marie-Tooth disease axonal type 2P. Also called: CHARCOT-MARIE-TOOTH DISEASE, AXONAL, TYPE 2G; CMT 2G; Charcot-Marie-Tooth Neuropathy Type 2G; CHARCOT-MARIE-TOOTH NEUROPATHY, TYPE 2P. Identifiers: Orphanet 300319, Orphanet 99941, MedGen C3280797, MONDO:0013753, OMIM 614436.

Submission:

Labcorp Genetics (formerly Invitae), Labcorp
Classification: Uncertain significance for Charcot-Marie-Tooth disease axonal type 2P. Last evaluated: 2023-12-11. Review status: criteria provided, single submitter. Criteria: Invitae Variant Classification Sherloc (09022015). Collection method: clinical testing. Allele origin: germline.
Comment: This sequence change replaces proline, which is neutral and non-polar, with arginine, which is basic and polar, at codon 166 of the LRSAM1 protein (p.Pro166Arg). This variant is not present in population databases (gnomAD no frequency). This variant has not been reported in the literature in individuals affected with LRSAM1-related conditions. ClinVar contains an entry for this variant (Variation ID: 1396716). Advanced modeling of protein sequence and biophysical properties (such as structural, functional, and spatial information, amino acid conservation, physicochemical variation, residue mobility, and thermodynamic stability) performed at Invitae indicates that this missense variant is expected to disrupt LRSAM1 protein function with a positive predictive value of 80%. In summary, the available evidence is currently insufficient to determine the role of this variant in disease. Therefore, it has been classified as a Variant of Uncertain Significance.